The following is an entry in ClinVar:

NM_001365536.1(SCN9A):c.5568G>A (p.Met1856Ile)

Genes: SCN1A-AS1 (SCN1A and SCN9A antisense RNA 1; plus strand), SCN9A (sodium voltage-gated channel alpha subunit 9; minus strand). Cytogenetic location: 2q24.3.
Variant type: single nucleotide variant.
Coding change: c.5568G>A on transcript NM_001365536.1 (MANE Select); coding-DNA position 5568, G replaced by A.
Protein change: p.Met1856Ile; replaces methionine 1856 with isoleucine.
Molecular consequence: missense variant.
Genome position (GRCh38, 1-based): chr2:166,199,071, C>T on the plus strand (G>A on the coding strand, the complement: SCN9A is on the minus strand). VCF-style: chr2-166199071-C-T. GRCh37 (hg19) VCF-style: chr2-167055581-C-T.
Other names: c.5535G>A, p.Met1845Ile (NM_002977.4); short protein forms M1856I, M1845I.
Identifiers: ClinVar variation 2058900 (VCV002058900.4), dbSNP rs2468875393, ClinGen allele CA349052281.

ClinVar aggregate classification (germline): Uncertain significance (1 of 4 stars; one submission).

Conditions:
Generalized epilepsy with febrile seizures plus, type 7 (GEFSP7). Also called: GEFS+, TYPE 7. Identifiers: Orphanet 36387, MedGen C2751778, MONDO:0013470, OMIM 613863.
Neuropathy, hereditary sensory and autonomic, type 2A (HSAN2A). Also called: MORVAN DISEASE; WNK1-Related HSAN2 (HSAN2A); NEUROPATHY, CONGENITAL SENSORY; NEUROPATHY, HEREDITARY SENSORY RADICULAR, AUTOSOMAL RECESSIVE; NEUROPATHY, HEREDITARY SENSORY, TYPE IIA; NEUROPATHY, PROGRESSIVE SENSORY, OF CHILDREN. Identifiers: Orphanet 970, MedGen C2752089, MONDO:0024309, OMIM 201300.

Submission:

Labcorp Genetics (formerly Invitae), Labcorp
Classification: Uncertain significance for Neuropathy, hereditary sensory and autonomic, type 2A; Generalized epilepsy with febrile seizures plus, type 7. Last evaluated: 2022-02-21. Review status: criteria provided, single submitter. Criteria: Invitae Variant Classification Sherloc (09022015). Collection method: clinical testing. Allele origin: germline.
Comment: In summary, the available evidence is currently insufficient to determine the role of this variant in disease. Therefore, it has been classified as a Variant of Uncertain Significance. Algorithms developed to predict the effect of missense changes on protein structure and function (SIFT, PolyPhen-2, Align-GVGD) all suggest that this variant is likely to be tolerated. This variant has not been reported in the literature in individuals affected with SCN9A-related conditions. This variant is not present in population databases (gnomAD no frequency). This sequence change replaces methionine, which is neutral and non-polar, with isoleucine, which is neutral and non-polar, at codon 1845 of the SCN9A protein (p.Met1845Ile).